The following is an entry in ClinVar:

ClinVar aggregate classification (germline): Uncertain significance (1 of 4 stars; one submission).

Submission:

GeneDx
Classification: Uncertain significance. Last evaluated: 2024-01-09. Review status: criteria provided, single submitter. Criteria: GeneDx Variant Classification Process June 2021. Collection method: clinical testing. Allele origin: germline. Affected: yes.
Comment: Not observed at significant frequency in large population cohorts (gnomAD); In silico analysis supports that this missense variant does not alter protein structure/function; Has not been previously published as pathogenic or benign to our knowledge

NM_003239.5(TGFB3):c.31G>A (p.Val11Ile)

Gene: TGFB3 (transforming growth factor beta 3; minus strand). Cytogenetic location: 14q24.3.
Variant type: single nucleotide variant.
Coding change: c.31G>A on transcript NM_003239.5 (MANE Select); coding-DNA position 31, G replaced by A.
Protein change: p.Val11Ile; replaces valine 11 with isoleucine.
Molecular consequence: missense variant.
Genome position (GRCh38, 1-based): chr14:75,980,863, C>T on the plus strand (G>A on the coding strand, the complement: TGFB3 is on the minus strand). VCF-style: chr14-75980863-C-T. GRCh37 (hg19) VCF-style: chr14-76447206-C-T.
Other names: c.31G>A, p.Val11Ile (NM_001329938.2, NM_001329939.2); short protein forms V11I.
Identifiers: ClinVar variation 3367781 (VCV003367781.1).